The following is an entry in ClinVar:

NM_000070.3(CAPN3):c.839G>T (p.Gly280Val)

Gene: CAPN3 (calpain 3; plus strand). Cytogenetic location: 15q15.1.
Variant type: single nucleotide variant.
Coding change: c.839G>T on transcript NM_000070.3 (MANE Select); coding-DNA position 839, G replaced by T.
Protein change: p.Gly280Val; replaces glycine 280 with valine.
Molecular consequence: missense variant. On other transcripts: intron variant (1).
Genome position (GRCh38, 1-based): chr15:42,389,990, G>T. VCF-style: chr15-42389990-G-T. GRCh37 (hg19) VCF-style: chr15-42682188-G-T.
Other names: c.839G>T, p.Gly280Val (NM_024344.2); c.578G>T, p.Gly193Val (NM_212464.2); c.*532G>T (NM_212467.2); c.801+894G>T (NM_173087.2); short protein forms G193V, G280V.
Identifiers: ClinVar variation 1801193 (VCV001801193.1), dbSNP rs2548262112, ClinGen allele CA391998504.

ClinVar aggregate classification (germline): Uncertain significance (1 of 4 stars; one submission).

Submission:

GeneDx
Classification: Uncertain significance. Last evaluated: 2022-05-23. Review status: criteria provided, single submitter. Criteria: GeneDx Variant Classification Process June 2021. Collection method: clinical testing. Allele origin: germline. Affected: yes.
Comment: Not observed at significant frequency in large population cohorts (gnomAD); In silico analysis supports that this missense variant does not alter protein structure/function; Has not been previously published as pathogenic or benign to our knowledge